The following is an entry in ClinVar:

NM_001128159.3(VPS53):c.1069T>C (p.Phe357Leu)

Gene: VPS53 (VPS53 subunit of GARP complex; minus strand). Cytogenetic location: 17p13.3.
Variant type: single nucleotide variant.
Coding change: c.1069T>C on transcript NM_001128159.3 (MANE Select); coding-DNA position 1069, T replaced by C.
Protein change: p.Phe357Leu; replaces phenylalanine 357 with leucine.
Molecular consequence: missense variant.
Genome position (GRCh38, 1-based): chr17:623,580, A>G on the plus strand (T>C on the coding strand, the complement: VPS53 is on the minus strand). VCF-style: chr17-623580-A-G. GRCh37 (hg19) VCF-style: chr17-526820-A-G.
Other names: c.1069T>C, p.Phe357Leu (NM_001366253.2); c.475T>C, p.Phe159Leu (NM_001366254.2); c.982T>C, p.Phe328Leu (NM_018289.4); short protein forms F159L, F328L, F357L.
Identifiers: ClinVar variation 1337573 (VCV001337573.4), dbSNP rs2143022932, ClinGen allele CA397487641.

ClinVar aggregate classification (germline): Uncertain significance (1 of 4 stars; one submission).

Submission:

Genetic Services Laboratory, University of Chicago
Classification: Uncertain significance. Last evaluated: 2020-03-10. Review status: criteria provided, single submitter. Criteria: ACMG Guidelines, 2015. Collection method: clinical testing. Allele origin: germline. Affected: no.
Comment: DNA sequence analysis of the VPS53 gene demonstrated a sequence change, c.1069T>C, in exon 11 that results in an amino acid change, p.Phe357Leu. This sequence change is absent from known population databases (gnomAD). The p.Phe357Leu change affects a poorly conserved amino acid residue located in a domain of the VPS53 protein that is known to be functional. The p.Phe357Leu substitution appears to be benign using several in-silico pathogenicity prediction tools (SIFT, PolyPhen2, Align GVGD, REVEL). Due to these contrasting evidences and the lack of functional studies, the clinical significance of the p.Phe357Leu change remains unknown at this time.